The following is an entry in ClinVar:

NM_000384.3(APOB):c.12581T>C (p.Ile4194Thr)

Gene: APOB (apolipoprotein B; minus strand). Cytogenetic location: 2p24.1.
Variant type: single nucleotide variant.
Coding change: c.12581T>C on transcript NM_000384.3 (MANE Select); coding-DNA position 12581, T replaced by C.
Protein change: p.Ile4194Thr; replaces isoleucine 4194 with threonine.
Molecular consequence: missense variant.
Genome position (GRCh38, 1-based): chr2:21,002,841, A>G on the plus strand (T>C on the coding strand, the complement: APOB is on the minus strand). VCF-style: chr2-21002841-A-G. GRCh37 (hg19) VCF-style: chr2-21225713-A-G.
Other names: short protein forms I4194T.
Identifiers: ClinVar variation 627659 (VCV000627659.26), dbSNP rs570782024, ClinGen allele CA050620.

ClinVar aggregate classification (germline): Conflicting classifications of pathogenicity. Review status: criteria provided, conflicting classifications (1 of 4 stars). 6 submissions from 5 submitters: Uncertain significance (2); Benign (1); Likely benign (3). Last evaluated 2025-12-23.

Conditions:
APOB-related disorder. Also called: APOB-related condition; APOB-related disorders.
Cardiovascular phenotype. Identifiers: MedGen CN230736.
Familial hypobetalipoproteinemia 1. Also called: Hypobetalipoproteinemia, normotriglyceridemic; Acanthocytosis with hypobetalipoproteinemia; APOB-Related Familial Hypobetalipoproteinemia. Identifiers: MedGen C4551990, MONDO:0014252, OMIM 615558.
Hypercholesterolemia, autosomal dominant, type B (FHCL2). Also called: Familial Hypercholesterolemia Type B; APOLIPOPROTEIN B-100, FAMILIAL DEFECTIVE; APOLIPOPROTEIN B-100, FAMILIAL LIGAND-DEFECTIVE; Hyperlipoproteinemia Type IIb; HYPERCHOLESTEROLEMIA, FAMILIAL, DUE TO LIGAND-DEFECTIVE APOLIPOPROTEIN B; APOB-Related Familial Hypercholesterolemia, Autosomal Dominant. Identifiers: MedGen C1704417, MONDO:0007751, OMIM 144010.

Allele frequency attached by ClinVar (database versions not stated): gnomAD 0.00005 and 0.00007; gnomAD exomes 0.00010 and 0.00014; TOPMed 0.00013; 1000 Genomes Project 30x 0.00016; ExAC 0.00017; 1000 Genomes Project 0.00020.
gnomAD v4.1: 154 of 1,613,024 alleles (0.0095%); highest among the groups gnomAD compares: East Asian, 0.27%; no homozygotes.

Submissions (6):

Labcorp Genetics (formerly Invitae), Labcorp
Classification: Likely benign for Familial hypobetalipoproteinemia 1; Hypercholesterolemia, autosomal dominant, type B. Last evaluated: 2025-12-23. Review status: criteria provided, single submitter. Criteria: Invitae Variant Classification Sherloc (09022015). Collection method: clinical testing. Allele origin: germline.

PreventionGenetics, part of Exact Sciences
Classification: Likely benign for APOB-related condition. Last evaluated: 2024-12-15. Review status: criteria provided, single submitter. Criteria: ACMG Guidelines, 2015. Collection method: clinical testing. Allele origin: germline.
Comment: This variant is classified as likely benign based on ACMG/AMP sequence variant interpretation guidelines (Richards et al. 2015 PMID: 25741868, with internal and published modifications).

Ambry Genetics
Classification: Likely benign for Cardiovascular phenotype. Last evaluated: 2021-07-19. Review status: criteria provided, single submitter. Criteria: Ambry Variant Classification Scheme 2023. Collection method: clinical testing. Allele origin: germline.

New York Genome Center
Classification: Uncertain significance for Hypercholesterolemia, autosomal dominant, type B; Familial hypobetalipoproteinemia 1. Last evaluated: 2021-07-13. Review status: criteria provided, single submitter. Criteria: NYGC Assertion Criteria 2020. Collection method: clinical testing. Allele origin: germline. Observed: 1 heterozygote.

Illumina Laboratory Services, Illumina
Classification: Uncertain significance for Familial hypobetalipoproteinemia 1. Last evaluated: 2017-07-26. Review status: criteria provided, single submitter. Criteria: ICSL Variant Classification Criteria 13 December 2019. Collection method: clinical testing. Allele origin: germline.

Illumina Laboratory Services, Illumina
Classification: Benign for Hypercholesterolemia, autosomal dominant, type B. Last evaluated: 2017-07-26. Review status: criteria provided, single submitter. Criteria: ICSL Variant Classification Criteria 13 December 2019. Collection method: clinical testing. Allele origin: germline.
Comment: This variant was observed as part of a predisposition screen in an ostensibly healthy population. A literature search was performed for the gene, cDNA change, and amino acid change (where applicable). No publications were found based on this search. Allele frequency data from public databases was too high to be consistent with this variant causing disease. Therefore, this variant is classified as benign.

Literature cited by the submitters: PubMed 27932355 (cited by Ambry Genetics); PubMed 30420299 (cited by Ambry Genetics).